The following is an entry in ClinVar:

ClinVar aggregate classification (germline): Conflicting classifications of pathogenicity. Review status: criteria provided, conflicting classifications (1 of 4 stars). 6 submissions from 6 submitters: Uncertain significance (5); Likely benign (1). Last evaluated 2026-01-28.

Conditions:
Inborn genetic diseases. Identifiers: MedGen C0950123, MeSH D030342.
Muscular dystrophy-dystroglycanopathy (congenital with brain and eye anomalies), type A2. Also called: WALKER-WARBURG SYNDROME OR MUSCLE-EYE-BRAIN DISEASE, POMT2-RELATED; MUSCULAR DYSTROPHY-DYSTROGLYCANOPATHY (CONGENITAL WITH BRAIN AND EYE ANOMALIES), TYPE A, 2. Identifiers: Orphanet 588, Orphanet 899, MedGen C3150411, MONDO:0013154, OMIM 613150.
Muscular dystrophy-dystroglycanopathy (congenital with impaired intellectual development), type B, 2. Also called: Muscular dystrophy-dystroglycanopathy (congenital with intellectual disability), type B2; MUSCULAR DYSTROPHY, CONGENITAL, POMT2-RELATED. Identifiers: MedGen C3150416, MONDO:0013160, OMIM 613156.
Autosomal recessive limb-girdle muscular dystrophy type 2N. Also called: MUSCULAR DYSTROPHY-DYSTROGLYCANOPATHY, LIMB-GIRDLE, POMT2-RELATED; Muscular dystrophy-dystroglycanopathy (limb-girdle), type C, 2. Identifiers: Orphanet 206559, MedGen C3150418, MONDO:0013162, OMIM 613158.

Allele frequency attached by ClinVar (database versions not stated): gnomAD 0.00001; ExAC 0.00002; gnomAD exomes 0.00003; TOPMed 0.00002.
gnomAD v4.1: 20 of 1,613,568 alleles (0.0012%); highest among the groups gnomAD compares: East Asian, 0.0067%; no homozygotes.

Submissions (6):

Centre for Medical Genetics,  Mumbai
Classification: Likely benign for Muscular dystrophy-dystroglycanopathy (congenital with brain and eye anomalies), type A2. Last evaluated: 2026-01-28. Review status: criteria provided, single submitter. Criteria: ACMG Guidelines, 2015. Collection method: provider interpretation. Allele origin: germline. Inheritance: Autosomal recessive inheritance. Affected: no. Observed: 1 homozygote.
Comment: The variant satisfies PM2 criteria; extremely low frequency in gnomAD population databases.

Labcorp Genetics (formerly Invitae), Labcorp
Classification: Uncertain significance for Muscular dystrophy-dystroglycanopathy (congenital with impaired intellectual development), type B, 2; Muscular dystrophy-dystroglycanopathy (congenital with brain and eye anomalies), type A2; Autosomal recessive limb-girdle muscular dystrophy type 2N. Last evaluated: 2025-12-05. Review status: criteria provided, single submitter. Criteria: Invitae Variant Classification Sherloc (09022015). Collection method: clinical testing. Allele origin: germline.
Comment: This sequence change replaces proline, which is neutral and non-polar, with serine, which is neutral and polar, at codon 396 of the POMT2 protein (p.Pro396Ser). This variant is present in population databases (rs764723711, gnomAD 0.006%). This variant has not been reported in the literature in individuals affected with POMT2-related conditions. ClinVar contains an entry for this variant (Variation ID: 314557). An algorithm developed to predict the effect of missense changes on protein structure and function (PolyPhen-2) suggests that this variant is likely to be tolerated. In summary, the available evidence is currently insufficient to determine the role of this variant in disease. Therefore, it has been classified as a Variant of Uncertain Significance.

GeneDx
Classification: Uncertain significance. Last evaluated: 2024-12-31. Review status: criteria provided, single submitter. Criteria: GeneDx Variant Classification Process June 2021. Collection method: clinical testing. Allele origin: germline. Affected: yes.
Comment: Not observed at significant frequency in large population cohorts (gnomAD); In silico analysis indicates that this missense variant does not alter protein structure/function; Has not been previously published as pathogenic or benign to our knowledge

Ambry Genetics
Classification: Uncertain significance for Inborn genetic diseases. Last evaluated: 2023-07-12. Review status: criteria provided, single submitter. Criteria: Ambry Variant Classification Scheme 2023. Collection method: clinical testing. Allele origin: germline.

Illumina Laboratory Services, Illumina
Classification: Uncertain significance for Autosomal recessive limb-girdle muscular dystrophy type 2N. Last evaluated: 2018-01-12. Review status: criteria provided, single submitter. Criteria: ICSL Variant Classification Criteria 13 December 2019. Collection method: clinical testing. Allele origin: germline.

CeGaT Center for Human Genetics Tuebingen
Classification: Uncertain significance. Last evaluated: 2017-11-01. Review status: criteria provided, single submitter. Criteria: CeGaT Center For Human Genetics Tuebingen Variant Classification Criteria Version 2. Collection method: clinical testing. Allele origin: germline. Affected: yes. Observed: 1 variant allele.

Literature cited by the submitters: PubMed 15894594 (cited by Centre for Medical Genetics,  Mumbai).

NM_013382.7(POMT2):c.1186C>T (p.Pro396Ser)

Gene: POMT2 (protein O-mannosyltransferase 2; minus strand). Cytogenetic location: 14q24.3.
Variant type: single nucleotide variant.
Coding change: c.1186C>T on transcript NM_013382.7 (MANE Select); coding-DNA position 1186, C replaced by T.
Protein change: p.Pro396Ser; replaces proline 396 with serine.
Molecular consequence: missense variant.
Genome position (GRCh38, 1-based): chr14:77,288,829, G>A on the plus strand (C>T on the coding strand, the complement: POMT2 is on the minus strand). VCF-style: chr14-77288829-G-A. GRCh37 (hg19) VCF-style: chr14-77755172-G-A.
Other names: short protein forms P396S.
Identifiers: ClinVar variation 314557 (VCV000314557.58), dbSNP rs764723711, ClinGen allele CA7285931.